The following is an entry in ClinVar:

ClinVar aggregate classification (germline): Uncertain significance (1 of 4 stars; one submission).

gnomAD v4.1: 17 of 1,613,310 alleles (0.0011%); highest among the groups gnomAD compares: Non-Finnish European, 0.0014%; no homozygotes.

Submission:

Women's Health and Genetics/Laboratory Corporation of America, LabCorp
Classification: Uncertain significance. Last evaluated: 2025-06-05. Review status: criteria provided, single submitter. Criteria: LabCorp Variant Classification Summary - May 2015. Collection method: clinical testing. Allele origin: germline.
Comment: Variant summary: ABCA3 c.4732G>A (p.Glu1578Lys) results in a conservative amino acid change in the encoded protein sequence. Algorithms developed to predict the effect of missense changes on protein structure and function are either unavailable or do not agree on the potential impact of this missense change. The variant was absent in 250022 control chromosomes. The available data on variant occurrences in the general population are insufficient to allow any conclusion about variant significance. c.4732G>A has been reported in the literature in the presumed compound heterozygous state in at least one individual affected with pulmonary surfactant metabolism dysfunction (e.g. Doan_2008). These data do not allow any conclusion about variant significance. To our knowledge, no experimental evidence demonstrating an impact on protein function has been reported. The following publications have been ascertained in the context of this evaluation (PMID: 18024538, 34638622, 32851225, 28025703, 35394827, 32532878, 24871971). ClinVar contains an entry for this variant (Variation ID: 3336494). Based on the evidence outlined above, the variant was classified as uncertain significance.

Literature cited by the submitters: PubMed 24871971; PubMed 18024538; PubMed 34638622; PubMed 32851225; PubMed 28025703; PubMed 35394827; PubMed 32532878.

NM_001089.3(ABCA3):c.4732G>A (p.Glu1578Lys)

Gene: ABCA3 (ATP binding cassette subfamily A member 3; minus strand). Cytogenetic location: 16p13.3.
Variant type: single nucleotide variant.
Coding change: c.4732G>A on transcript NM_001089.3 (MANE Select); coding-DNA position 4732, G replaced by A.
Protein change: p.Glu1578Lys; replaces glutamic acid 1578 with lysine.
Molecular consequence: missense variant.
Genome position (GRCh38, 1-based): chr16:2,278,056, C>T on the plus strand (G>A on the coding strand, the complement: ABCA3 is on the minus strand). VCF-style: chr16-2278056-C-T. GRCh37 (hg19) VCF-style: chr16-2328057-C-T.
Other names: short protein forms E1578K.
Identifiers: ClinVar variation 3336494 (VCV003336494.2).